The following is an entry in ClinVar:

NM_001136472.2(LITAF):c.382A>G (p.Ile128Val)

Gene: LITAF (lipopolysaccharide induced TNF factor; minus strand). Cytogenetic location: 16p13.13.
Variant type: single nucleotide variant.
Coding change: c.382A>G on transcript NM_001136472.2 (MANE Select); coding-DNA position 382, A replaced by G.
Protein change: p.Ile128Val; replaces isoleucine 128 with valine.
Molecular consequence: missense variant. On other transcripts: 3 prime UTR variant (1), non-coding transcript variant (1).
Genome position (GRCh38, 1-based): chr16:11,549,741, T>C on the plus strand (A>G on the coding strand, the complement: LITAF is on the minus strand). VCF-style: chr16-11549741-T-C. GRCh37 (hg19) VCF-style: chr16-11643597-T-C.
Other names: c.*21A>G (NM_001136473.1); c.382A>G, p.Ile128Val (NM_004862.4); short protein forms I128V.
Identifiers: ClinVar variation 2116723 (VCV002116723.4), dbSNP rs867820855, ClinGen allele CA278302177.

ClinVar aggregate classification (germline): Uncertain significance (1 of 4 stars; one submission).

Conditions:
Charcot-Marie-Tooth disease type 1C. Also called: Charcot-Marie-Tooth disease, type IC; HMSN IC; CHARCOT-MARIE-TOOTH NEUROPATHY, TYPE 1C; NEUROPATHY, HEREDITARY MOTOR AND SENSORY, TYPE IC; CHARCOT-MARIE-TOOTH DISEASE, DEMYELINATING, TYPE 1C; CMT, SLOW NERVE CONDUCTION TYPE C. Identifiers: Orphanet 101083, MedGen C0270913, MONDO:0010995, OMIM 601098.

Submission:

Labcorp Genetics (formerly Invitae), Labcorp
Classification: Uncertain significance for Charcot-Marie-Tooth disease type 1C. Last evaluated: 2022-03-25. Review status: criteria provided, single submitter. Criteria: Invitae Variant Classification Sherloc (09022015). Collection method: clinical testing. Allele origin: germline.
Comment: This variant is not present in population databases (gnomAD no frequency). This sequence change replaces isoleucine, which is neutral and non-polar, with valine, which is neutral and non-polar, at codon 128 of the LITAF protein (p.Ile128Val). This variant has not been reported in the literature in individuals affected with LITAF-related conditions. In summary, the available evidence is currently insufficient to determine the role of this variant in disease. Therefore, it has been classified as a Variant of Uncertain Significance. Algorithms developed to predict the effect of missense changes on protein structure and function output the following: SIFT: "Tolerated"; PolyPhen-2: "Benign"; Align-GVGD: "Class C0". The valine amino acid residue is found in multiple mammalian species, which suggests that this missense change does not adversely affect protein function.